The following is an entry in ClinVar:

ClinVar aggregate classification (germline): Likely benign (1 of 4 stars; one submission).

Submission:

CeGaT Center for Human Genetics Tuebingen
Classification: Likely benign. Last evaluated: 2023-01-01. Review status: criteria provided, single submitter. Criteria: CeGaT Center For Human Genetics Tuebingen Variant Classification Criteria Version 2. Collection method: clinical testing. Allele origin: germline. Affected: yes. Observed: 1 variant allele.
Comment: HEXA: PM2:Supporting, BP4, BP7

NM_000520.6(HEXA):c.254-23C>T

Gene: HEXA (hexosaminidase subunit alpha; minus strand). Cytogenetic location: 15q23.
Variant type: single nucleotide variant.
Coding change: c.254-23C>T on transcript NM_000520.6 (MANE Select); 23 bases into the intron before coding-DNA position 254, C replaced by T.
Molecular consequence: intron variant. On other transcripts: synonymous variant (1).
Genome position (GRCh38, 1-based): chr15:72,356,640, G>A on the plus strand (C>T on the coding strand, the complement: HEXA is on the minus strand). VCF-style: chr15-72356640-G-A. GRCh37 (hg19) VCF-style: chr15-72648981-G-A.
Other names: c.264C>T, p.His88= (NM_001318825.2).
Identifiers: ClinVar variation 2645512 (VCV002645512.24), dbSNP rs779906572, ClinGen allele CA2695197296.